The following is an entry in ClinVar:

ClinVar aggregate classification (germline): Uncertain significance (1 of 4 stars; one submission).

Conditions:
Inborn genetic diseases. Identifiers: MedGen C0950123, MeSH D030342.

Submission:

Ambry Genetics
Classification: Uncertain significance for Inborn genetic diseases. Last evaluated: 2022-10-28. Review status: criteria provided, single submitter. Criteria: Ambry Variant Classification Scheme 2023. Collection method: clinical testing. Allele origin: germline.
Comment: The c.58+3A>G intronic alteration consists of a A to G substitution nucleotides after coding exon 1 in the VAPB gene. Based on insufficient or conflicting evidence, the clinical significance of this alteration remains unclear.

NM_004738.5(VAPB):c.58+3A>G

Gene: VAPB (VAMP associated protein B and C; plus strand). Cytogenetic location: 20q13.32.
Variant type: single nucleotide variant.
Coding change: c.58+3A>G on transcript NM_004738.5 (MANE Select); 3 bases into the intron after coding-DNA position 58, A replaced by G.
Molecular consequence: intron variant.
Genome position (GRCh38, 1-based): chr20:58,389,520, A>G. VCF-style: chr20-58389520-A-G. GRCh37 (hg19) VCF-style: chr20-56964576-A-G.
Other names: c.58+3A>G (NM_001195677.2).
Identifiers: ClinVar variation 2318077 (VCV002318077.2), dbSNP rs2515998331, ClinGen allele CA2580098293.